The following is an entry in ClinVar:

NM_001130004.2(ACTN1):c.1684G>A (p.Asp562Asn)

Gene: ACTN1 (actinin alpha 1; minus strand). Cytogenetic location: 14q24.1.
Variant type: single nucleotide variant.
Coding change: c.1684G>A on transcript NM_001130004.2 (MANE Select); coding-DNA position 1684, G replaced by A.
Protein change: p.Asp562Asn; replaces aspartic acid 562 with asparagine.
Molecular consequence: missense variant. On other transcripts: intron variant (5).
Genome position (GRCh38, 1-based): chr14:68,883,007, C>T on the plus strand (G>A on the coding strand, the complement: ACTN1 is on the minus strand). VCF-style: chr14-68883007-C-T. GRCh37 (hg19) VCF-style: chr14-69349724-C-T.
Other names: c.1684G>A, p.Asp562Asn (NM_001102.4, NM_001130005.2, NM_001424012.1 and 2 more transcripts); c.1708G>A, p.Asp570Asn (NM_001411035.1, NM_001424016.1); c.1489G>A, p.Asp497Asn (NM_001411036.1, NM_001424026.1, NM_001424028.1); c.1810G>A, p.Asp604Asn (NM_001424013.1); c.1771G>A, p.Asp591Asn (NM_001424015.1); c.1681G>A, p.Asp561Asn (NM_001424017.1); c.1645G>A, p.Asp549Asn (NM_001424018.1); c.1621G>A, p.Asp541Asn (NM_001424020.1, NM_001424022.1); and 3 more; short protein forms D287N, D497N, D539N, D541N, D549N, D561N, D562N, D570N.
Identifiers: ClinVar variation 2671630 (VCV002671630.4), dbSNP rs147824601, ClinGen allele CA262848732.
Genomic context (GRCh38, chr14:68,883,007, plus strand): 5'-AGGTCTGGACAATCTTGGACACCTCATTGTGGATGCCCAGGATGGCCAGGCGCTCCTTGT[C>T]GGCATCAGGGAGGGTGGCCTTGAACTGCTCATGGGCTGTGGTCAGTCCCTGGACAGAGAT-3'
Protein context (NP_001123476.1, residues 552-572): EQFKATLPDA[Asp562Asn]KERLAILGIH

ClinVar aggregate classification (germline): Uncertain significance. Review status: criteria provided, multiple submitters, no conflicts (2 of 4 stars). 2 submissions from 2 submitters: Uncertain significance (2). Last evaluated 2025-09-29.

Conditions:
Platelet-type bleeding disorder 15 (BDPLT15). Also called: MACROTHROMBOCYTOPENIA, AUTOSOMAL DOMINANT, ACTN1-RELATED. Identifiers: Orphanet 140957, MedGen C3554663, MONDO:0014078, OMIM 615193.

Allele frequency attached by ClinVar (database versions not stated): gnomAD exomes 0.00001; TOPMed 0.00002; ESP Exome Variant Server 0.00008; gnomAD 0.00004.
gnomAD v4.1: 20 of 1,614,152 alleles (0.0012%); highest among the groups gnomAD compares: South Asian, 0.0044%; 1 homozygote.

Submissions (2):

Labcorp Genetics (formerly Invitae), Labcorp
Classification: Uncertain significance. Last evaluated: 2025-09-29. Review status: criteria provided, single submitter. Criteria: Invitae Variant Classification Sherloc (09022015). Collection method: clinical testing. Allele origin: germline.
Comment: This sequence change replaces aspartic acid, which is acidic and polar, with asparagine, which is neutral and polar, at codon 562 of the ACTN1 protein (p.Asp562Asn). This variant is present in population databases (rs147824601, gnomAD 0.007%). This variant has not been reported in the literature in individuals affected with ACTN1-related conditions. ClinVar contains an entry for this variant (Variation ID: 2671630). Invitae Evidence Modeling of protein sequence and biophysical properties (such as structural, functional, and spatial information, amino acid conservation, physicochemical variation, residue mobility, and thermodynamic stability) indicates that this missense variant is not expected to disrupt ACTN1 protein function with a negative predictive value of 80%. In summary, the available evidence is currently insufficient to determine the role of this variant in disease. Therefore, it has been classified as a Variant of Uncertain Significance.

Neuberg Centre For Genomic Medicine, NCGM
Classification: Uncertain significance for Platelet-type bleeding disorder 15. Last evaluated: 2023-02-14. Review status: criteria provided, single submitter. Criteria: ACMG Guidelines, 2015. Collection method: clinical testing. Allele origin: germline. Inheritance: Autosomal dominant inheritance. Affected: yes.
Comment: The missense c.1684G>A (p.Asp562Asn) variant in ACTN1 gene has not been reported previously as a pathogenic variant nor as a benign variant, to our knowledge. The p.Asp562Asn variant is reported with an allele frequency of 0.001% in the gnomAD exomes database and is novel (not in any individuals) in 1000 Genomes database. This variant has not been reported to the ClinVar database. The amino acid change p.Asp562Asn in ACTN1 is predicted as conserved by GERP++ and PhyloP across 100 vertebrates. The amino acid Asp at position 562 is changed to a Asn changing protein sequence and it might alter its composition and physico-chemical properties. For these reasons, this variant has been classified as a Variant of Uncertain Significance (VUS).